The following is an entry in ClinVar:

NM_004187.5(KDM5C):c.4030A>G (p.Met1344Val)

Gene: KDM5C (lysine demethylase 5C; minus strand). Cytogenetic location: Xp11.22.
Variant type: single nucleotide variant.
Coding change: c.4030A>G on transcript NM_004187.5 (MANE Select); coding-DNA position 4030, A replaced by G.
Protein change: p.Met1344Val; replaces methionine 1344 with valine.
Molecular consequence: missense variant. On other transcripts: non-coding transcript variant (3).
Genome position (GRCh38, 1-based): chrX:53,194,147, T>C on the plus strand (A>G on the coding strand, the complement: KDM5C is on the minus strand). VCF-style: chrX-53194147-T-C. GRCh37 (hg19) VCF-style: chrX-53223329-T-C.
Other names: c.3829A>G, p.Met1277Val (NM_001146702.2); c.4027A>G, p.Met1343Val (NM_001282622.3, NM_001353979.2, NM_001353982.2); c.4030A>G, p.Met1344Val (NM_001353978.3, NM_001353981.2, NM_001353984.2); short protein forms M1344V, M1277V, M1343V.
Identifiers: ClinVar variation 134589 (VCV000134589.4), dbSNP rs797044473, ClinGen allele CA160274.

ClinVar aggregate classification (germline): Uncertain significance. Review status: criteria provided, single submitter (1 of 4 stars). 2 submissions from 2 submitters: Uncertain significance (1). 1 of the submissions does not count toward it. Last evaluated 2022-09-03.

Allele frequency attached by ClinVar (database versions not stated): TOPMed 0.00001.

Submissions (2):

GeneDx
Classification: Uncertain significance. Last evaluated: 2022-09-03. Review status: criteria provided, single submitter. Criteria: GeneDx Variant Classification Process June 2021. Collection method: clinical testing. Allele origin: germline. Affected: yes.
Comment: Not observed at significant frequency in large population cohorts (gnomAD); In silico analysis supports that this missense variant does not alter protein structure/function; Has not been previously published as pathogenic or benign to our knowledge

ITMI
No classification provided. Condition: AllHighlyPenetrant. Last evaluated: 2013-09-19. Review status: no classification provided. Collection method: reference population. Allele origin: germline. Not counted in ClinVar's aggregate classification.
Comment: Please see associated publication for description of ethnicities

Literature cited by the submitters: PubMed 24728327 (cited by ITMI).